The following is an entry in ClinVar:

ClinVar aggregate classification (germline): Uncertain significance (1 of 4 stars; one submission).

Conditions:
Fibrous dysplasia of jaw (CRBM). Also called: Cherubism. Identifiers: Orphanet 184, MedGen C0008029, MONDO:0007315, OMIM 118400.

gnomAD v4.1: 1 of 1,613,670 alleles (0.000062%); highest among the groups gnomAD compares: Non-Finnish European, 0.000085%; no homozygotes.

Submission:

Labcorp Genetics (formerly Invitae), Labcorp
Classification: Uncertain significance for Fibrous dysplasia of jaw. Last evaluated: 2024-04-25. Review status: criteria provided, single submitter. Criteria: Invitae Variant Classification Sherloc (09022015). Collection method: clinical testing. Allele origin: germline.
Comment: This sequence change replaces serine, which is neutral and polar, with arginine, which is basic and polar, at codon 475 of the SH3BP2 protein (p.Ser475Arg). This variant is not present in population databases (gnomAD no frequency). This variant has not been reported in the literature in individuals affected with SH3BP2-related conditions. Advanced modeling of protein sequence and biophysical properties (such as structural, functional, and spatial information, amino acid conservation, physicochemical variation, residue mobility, and thermodynamic stability) performed at Invitae indicates that this missense variant is not expected to disrupt SH3BP2 protein function with a negative predictive value of 95%. In summary, the available evidence is currently insufficient to determine the role of this variant in disease. Therefore, it has been classified as a Variant of Uncertain Significance.

NM_001122681.2(SH3BP2):c.1425C>G (p.Ser475Arg)

Gene: SH3BP2 (SH3 domain binding protein 2; plus strand). Cytogenetic location: 4p16.3.
Variant type: single nucleotide variant.
Coding change: c.1425C>G on transcript NM_001122681.2 (MANE Select); coding-DNA position 1425, C replaced by G.
Protein change: p.Ser475Arg; replaces serine 475 with arginine.
Molecular consequence: missense variant.
Genome position (GRCh38, 1-based): chr4:2,832,349, C>G. VCF-style: chr4-2832349-C-G. GRCh37 (hg19) VCF-style: chr4-2834076-C-G.
Other names: c.1509C>G, p.Ser503Arg (NM_001145855.2); c.1596C>G, p.Ser532Arg (NM_001145856.2); c.1425C>G, p.Ser475Arg (NM_003023.4); short protein forms S475R, S532R, S503R.
Identifiers: ClinVar variation 2815329 (VCV002815329.3), dbSNP rs768514069, ClinGen allele CA356058620.